The following is an entry in ClinVar:

NM_016929.5(CLIC5):c.624G>A (p.Pro208=)

Gene: CLIC5 (CLIC family member 5; minus strand). Cytogenetic location: 6p21.1.
Variant type: single nucleotide variant.
Coding change: c.624G>A on transcript NM_016929.5 (MANE Select); coding-DNA position 624, G replaced by A.
Protein change: p.Pro208=; no amino-acid change (proline 208 retained).
Molecular consequence: synonymous variant. On other transcripts: non-coding transcript variant (2).
Genome position (GRCh38, 1-based): chr6:45,903,220, C>T on the plus strand (G>A on the coding strand, the complement: CLIC5 is on the minus strand). VCF-style: chr6-45903220-C-T. GRCh37 (hg19) VCF-style: chr6-45870957-C-T.
Other names: c.1101G>A, p.Pro367= (NM_001114086.2, NM_001370650.1); c.507G>A, p.Pro169= (NM_001370649.1).
Identifiers: ClinVar variation 682565 (VCV000682565.4), dbSNP rs539916161, ClinGen allele CA3836704.

ClinVar aggregate classification (germline): Likely benign. Review status: criteria provided, multiple submitters, no conflicts (2 of 4 stars). 3 submissions from 3 submitters: Likely benign (3). Last evaluated 2026-09-18.

Conditions:
CLIC5-related disorder. Also called: CLIC5-related condition.

Allele frequency attached by ClinVar (database versions not stated): gnomAD exomes 0.00003 and 0.00009; gnomAD 0.00004; TOPMed 0.00006; ExAC 0.00007; 1000 Genomes Project 30x 0.00016; 1000 Genomes Project 0.00020.
gnomAD v4.1: 46 of 1,609,096 alleles (0.0029%); highest among the groups gnomAD compares: Admixed American, 0.032%; no homozygotes.

Submissions (3):

PreventionGenetics, part of Exact Sciences
Classification: Likely benign for CLIC5-related condition. Last evaluated: 2026-09-18. Review status: criteria provided, single submitter. Criteria: ACMG Guidelines, 2015. Collection method: clinical testing. Allele origin: germline.
Comment: This variant is classified as likely benign based on ACMG/AMP sequence variant interpretation guidelines (Richards et al. 2015 PMID: 25741868, with internal and published modifications).

Labcorp Genetics (formerly Invitae), Labcorp
Classification: Likely benign. Last evaluated: 2025-04-02. Review status: criteria provided, single submitter. Criteria: Invitae Variant Classification Sherloc (09022015). Collection method: clinical testing. Allele origin: germline.

GeneDx
Classification: Likely benign. Last evaluated: 2018-05-11. Review status: criteria provided, single submitter. Criteria: GeneDx Variant Classification (06012015). Collection method: clinical testing. Allele origin: germline. Affected: yes.
Comment: This variant is considered likely benign or benign based on one or more of the following criteria: it is a conservative change, it occurs at a poorly conserved position in the protein, it is predicted to be benign by multiple in silico algorithms, and/or has population frequency not consistent with disease.